The following is an entry in ClinVar:

ClinVar aggregate classification (germline): Uncertain significance (1 of 4 stars; one submission).

Conditions:
Primary ciliary dyskinesia. Also called: Ciliary dyskinesia. Identifiers: Orphanet 244, MedGen C0008780, MONDO:0016575, HP:0012265.

Submission:

Labcorp Genetics (formerly Invitae), Labcorp
Classification: Uncertain significance for Primary ciliary dyskinesia. Last evaluated: 2022-04-15. Review status: criteria provided, single submitter. Criteria: Invitae Variant Classification Sherloc (09022015). Collection method: clinical testing. Allele origin: germline.
Comment: This variant is not present in population databases (gnomAD no frequency). This sequence change replaces glutamic acid, which is acidic and polar, with lysine, which is basic and polar, at codon 200 of the RSPH1 protein (p.Glu200Lys). This variant has not been reported in the literature in individuals affected with RSPH1-related conditions. In summary, the available evidence is currently insufficient to determine the role of this variant in disease. Therefore, it has been classified as a Variant of Uncertain Significance. Algorithms developed to predict the effect of missense changes on protein structure and function are either unavailable or do not agree on the potential impact of this missense change (SIFT: "Tolerated"; PolyPhen-2: "Possibly Damaging"; Align-GVGD: "Class C0").

NM_080860.4(RSPH1):c.598G>A (p.Glu200Lys)

Gene: RSPH1 (radial spoke head component 1; minus strand). Cytogenetic location: 21q22.3.
Variant type: single nucleotide variant.
Coding change: c.598G>A on transcript NM_080860.4 (MANE Select); coding-DNA position 598, G replaced by A.
Protein change: p.Glu200Lys; replaces glutamic acid 200 with lysine.
Molecular consequence: missense variant.
Genome position (GRCh38, 1-based): chr21:42,477,420, C>T on the plus strand (G>A on the coding strand, the complement: RSPH1 is on the minus strand). VCF-style: chr21-42477420-C-T. GRCh37 (hg19) VCF-style: chr21-43897530-C-T.
Other names: c.484G>A, p.Glu162Lys (NM_001286506.2); short protein forms E162K, E200K.
Identifiers: ClinVar variation 2099483 (VCV002099483.4), dbSNP rs2517333713, ClinGen allele CA410363699.